The following is an entry in ClinVar:

ClinVar aggregate classification (germline): Conflicting classifications of pathogenicity. Review status: criteria provided, conflicting classifications (1 of 4 stars). 3 submissions from 3 submitters: Uncertain significance (2); Likely benign (1). Last evaluated 2025-05-15.

Conditions:
TOPORS-related disorder. Also called: TOPORS-related condition.

Allele frequency attached by ClinVar (database versions not stated): ExAC 0.00001; gnomAD 0.00001; gnomAD exomes 0.00001; TOPMed 0.00002.

Submissions (3):

PreventionGenetics, part of Exact Sciences
Classification: Uncertain significance for TOPORS-related condition. Last evaluated: 2025-05-15. Review status: criteria provided, single submitter. Criteria: ACMG Guidelines, 2015. Collection method: clinical testing. Allele origin: germline.
Comment: The TOPORS c.1868G>T variant is predicted to result in the amino acid substitution p.Arg623Ile. To our knowledge, this variant has not been reported in the literature. This variant is reported in 0.0058% of alleles in individuals of Latino descent in gnomAD. At this time, the clinical significance of this variant is uncertain due to the absence of conclusive functional and genetic evidence.

Labcorp Genetics (formerly Invitae), Labcorp
Classification: Uncertain significance. Last evaluated: 2022-11-17. Review status: criteria provided, single submitter. Criteria: Invitae Variant Classification Sherloc (09022015). Collection method: clinical testing. Allele origin: germline.
Comment: This variant has not been reported in the literature in individuals affected with TOPORS-related conditions. The frequency data for this variant in the population databases is considered unreliable, as metrics indicate poor data quality at this position in the gnomAD database. This sequence change replaces arginine, which is basic and polar, with isoleucine, which is neutral and non-polar, at codon 623 of the TOPORS protein (p.Arg623Ile). Algorithms developed to predict the effect of missense changes on protein structure and function are either unavailable or do not agree on the potential impact of this missense change (SIFT: "Deleterious"; PolyPhen-2: "Not Available"; Align-GVGD: "Class C0"). In summary, the available evidence is currently insufficient to determine the role of this variant in disease. Therefore, it has been classified as a Variant of Uncertain Significance.

Blueprint Genetics
Classification: Likely benign. Last evaluated: 2019-09-30. Review status: criteria provided, single submitter. Criteria: ACMG Guidelines, 2015. Collection method: clinical testing. Allele origin: germline.

NM_005802.5(TOPORS):c.1868G>T (p.Arg623Ile)

Gene: TOPORS (TOP1 binding arginine/serine rich protein, E3 ubiquitin ligase; minus strand). Cytogenetic location: 9p21.1.
Variant type: single nucleotide variant.
Coding change: c.1868G>T on transcript NM_005802.5 (MANE Select); coding-DNA position 1868, G replaced by T.
Protein change: p.Arg623Ile; replaces arginine 623 with isoleucine.
Molecular consequence: missense variant.
Genome position (GRCh38, 1-based): chr9:32,542,657, C>A on the plus strand (G>T on the coding strand, the complement: TOPORS is on the minus strand). VCF-style: chr9-32542657-C-A. GRCh37 (hg19) VCF-style: chr9-32542655-C-A.
Other names: c.1673G>T, p.Arg558Ile (NM_001195622.2); c.1868G>T (NM_005802.4); short protein forms R623I, R558I.
Identifiers: ClinVar variation 2042411 (VCV002042411.6), dbSNP rs749890473, ClinGen allele CA5020456.